The following is an entry in ClinVar:

ClinVar aggregate classification (germline): Uncertain significance. Review status: criteria provided, multiple submitters, no conflicts (2 of 4 stars). 4 submissions from 4 submitters: Uncertain significance (4). Last evaluated 2025-10-07.

Conditions:
Inborn genetic diseases. Identifiers: MedGen C0950123, MeSH D030342.

Allele frequency attached by ClinVar (database versions not stated): gnomAD exomes 0.00019 and 0.00007; gnomAD 0.00013 and 0.00014; ESP Exome Variant Server 0.00008; TOPMed 0.00010; ExAC 0.00009.
gnomAD v4.1: 296 of 1,614,094 alleles (0.018%); highest among the groups gnomAD compares: Non-Finnish European, 0.024%; no homozygotes.

Submissions (4):

Ambry Genetics
Classification: Uncertain significance for Inborn genetic diseases. Last evaluated: 2025-10-07. Review status: criteria provided, single submitter. Criteria: Ambry Variant Classification Scheme 2023. Collection method: clinical testing. Allele origin: germline.

GeneDx
Classification: Uncertain significance. Last evaluated: 2024-11-20. Review status: criteria provided, single submitter. Criteria: GeneDx Variant Classification Process June 2021. Collection method: clinical testing. Allele origin: germline. Affected: yes.
Comment: In silico analysis indicates that this missense variant does not alter protein structure/function; Has not been previously published as pathogenic or benign to our knowledge

Blueprint Genetics
Classification: Uncertain significance. Last evaluated: 2024-01-23. Review status: criteria provided, single submitter. Criteria: ACMG Guidelines, 2015. Collection method: clinical testing. Allele origin: germline.

Labcorp Genetics (formerly Invitae), Labcorp
Classification: Uncertain significance. Last evaluated: 2022-07-24. Review status: criteria provided, single submitter. Criteria: Invitae Variant Classification Sherloc (09022015). Collection method: clinical testing. Allele origin: germline.
Comment: This sequence change replaces lysine, which is basic and polar, with asparagine, which is neutral and polar, at codon 1074 of the ADAMTS18 protein (p.Lys1074Asn). This variant is present in population databases (rs138315469, gnomAD 0.02%). This variant has not been reported in the literature in individuals affected with ADAMTS18-related conditions. ClinVar contains an entry for this variant (Variation ID: 1023079). Algorithms developed to predict the effect of missense changes on protein structure and function are either unavailable or do not agree on the potential impact of this missense change (SIFT: "Not Available"; PolyPhen-2: "Possibly Damaging"; Align-GVGD: "Not Available"). In summary, the available evidence is currently insufficient to determine the role of this variant in disease. Therefore, it has been classified as a Variant of Uncertain Significance.

NM_199355.4(ADAMTS18):c.3222G>C (p.Lys1074Asn)

Gene: ADAMTS18 (ADAM metallopeptidase with thrombospondin type 1 motif 18; minus strand). Cytogenetic location: 16q23.1.
Variant type: single nucleotide variant.
Coding change: c.3222G>C on transcript NM_199355.4 (MANE Select); coding-DNA position 3222, G replaced by C.
Protein change: p.Lys1074Asn; replaces lysine 1074 with asparagine.
Molecular consequence: missense variant.
Genome position (GRCh38, 1-based): chr16:77,291,446, C>G on the plus strand (G>C on the coding strand, the complement: ADAMTS18 is on the minus strand). VCF-style: chr16-77291446-C-G. GRCh37 (hg19) VCF-style: chr16-77325343-C-G.
Other names: c.2706G>C, p.Lys902Asn (NM_001326358.2); c.3222G>C (NM_199355.2); short protein forms K1074N, K902N.
Identifiers: ClinVar variation 1023079 (VCV001023079.7), dbSNP rs138315469, ClinGen allele CA8180537.